The following is an entry in ClinVar:

ClinVar aggregate classification (germline): Uncertain significance. Review status: criteria provided, multiple submitters, no conflicts (2 of 4 stars). 2 submissions from 2 submitters: Uncertain significance (2). Last evaluated 2026-01-05.

Conditions:
Hereditary cancer-predisposing syndrome. Also called: Neoplastic Syndromes, Hereditary; Tumor predisposition; Hereditary Cancer Syndrome; Hereditary neoplastic syndrome. Identifiers: Orphanet 140162, MedGen C0027672, MeSH D009386, MONDO:0015356.

Allele frequency attached by ClinVar (database versions not stated): ExAC 0.00001; gnomAD exomes 0.00001.
gnomAD v4.1: 9 of 1,613,514 alleles (0.00056%); highest among the groups gnomAD compares: East Asian, 0.0022%; no homozygotes.

Submissions (2):

Labcorp Genetics (formerly Invitae), Labcorp
Classification: Uncertain significance. Last evaluated: 2026-01-05. Review status: criteria provided, single submitter. Criteria: Invitae Variant Classification Sherloc (09022015). Collection method: clinical testing. Allele origin: germline.
Comment: This sequence change replaces lysine, which is basic and polar, with arginine, which is basic and polar, at codon 557 of the MSH3 protein (p.Lys557Arg). This variant is present in population databases (rs779526052, gnomAD 0.006%). This variant has not been reported in the literature in individuals affected with MSH3-related conditions. ClinVar contains an entry for this variant (Variation ID: 1777674). An algorithm developed to predict the effect of missense changes on protein structure and function outputs the following: PolyPhen-2: "Benign". The arginine amino acid residue is found in multiple mammalian species, which suggests that this missense change does not adversely affect protein function. In summary, the available evidence is currently insufficient to determine the role of this variant in disease. Therefore, it has been classified as a Variant of Uncertain Significance.

Ambry Genetics
Classification: Uncertain significance for Hereditary cancer-predisposing syndrome. Last evaluated: 2023-06-08. Review status: criteria provided, single submitter. Criteria: Ambry Variant Classification Scheme 2023. Collection method: clinical testing. Allele origin: germline.
Comment: The p.K557R variant (also known as c.1670A>G), located in coding exon 12 of the MSH3 gene, results from an A to G substitution at nucleotide position 1670. The lysine at codon 557 is replaced by arginine, an amino acid with highly similar properties. This amino acid position is not well conserved in available vertebrate species, and arginine is the reference amino acid in other vertebrate species. In addition, this alteration is predicted to be tolerated by in silico analysis. Since supporting evidence is limited at this time, the clinical significance of this alteration remains unclear.

NM_002439.5(MSH3):c.1670A>G (p.Lys557Arg)

Gene: MSH3 (mutS homolog 3; plus strand). Cytogenetic location: 5q14.1.
Variant type: single nucleotide variant.
Coding change: c.1670A>G on transcript NM_002439.5 (MANE Select); coding-DNA position 1670, A replaced by G.
Protein change: p.Lys557Arg; replaces lysine 557 with arginine.
Molecular consequence: missense variant.
Genome position (GRCh38, 1-based): chr5:80,744,522, A>G. VCF-style: chr5-80744522-A-G. GRCh37 (hg19) VCF-style: chr5-80040341-A-G.
Other names: short protein forms K557R.
Identifiers: ClinVar variation 1777674 (VCV001777674.5), dbSNP rs779526052, ClinGen allele CA3328007.